The following is an entry in ClinVar:

NM_001379500.1(COL18A1):c.1611+10G>A

Gene: COL18A1 (collagen type XVIII alpha 1 chain; plus strand). Cytogenetic location: 21q22.3.
Variant type: single nucleotide variant.
Coding change: c.1611+10G>A on transcript NM_001379500.1 (MANE Select); 10 bases into the intron after coding-DNA position 1611, G replaced by A.
Molecular consequence: intron variant.
Genome position (GRCh38, 1-based): chr21:45,480,868, G>A. VCF-style: chr21-45480868-G-A. GRCh37 (hg19) VCF-style: chr21-46900782-G-A.
Other names: c.2856+10G>A (NM_130444.3); c.2151+10G>A (NM_030582.4, NM_030582.3).
Identifiers: ClinVar variation 1656227 (VCV001656227.10), dbSNP rs370346282, ClinGen allele CA10066404.

ClinVar aggregate classification (germline): Likely benign. Review status: criteria provided, multiple submitters, no conflicts (2 of 4 stars). 3 submissions from 3 submitters: Likely benign (3). Last evaluated 2026-01-05.

Conditions:
COL18A1-related disorder. Also called: COL18A1-related disorders; COL18A1-related condition.

Allele frequency attached by ClinVar (database versions not stated): gnomAD exomes 0.00001 and 0.00003; ExAC 0.00005; TOPMed 0.00005.
gnomAD v4.1: 44 of 1,608,622 alleles (0.0027%); highest among the groups gnomAD compares: Admixed American, 0.015%; 1 homozygote.

Submissions (3):

Labcorp Genetics (formerly Invitae), Labcorp
Classification: Likely benign. Last evaluated: 2026-01-05. Review status: criteria provided, single submitter. Criteria: Invitae Variant Classification Sherloc (09022015). Collection method: clinical testing. Allele origin: germline.

PreventionGenetics, part of Exact Sciences
Classification: Likely benign for COL18A1-related condition. Last evaluated: 2025-04-14. Review status: criteria provided, single submitter. Criteria: ACMG Guidelines, 2015. Collection method: clinical testing. Allele origin: germline.
Comment: This variant is classified as likely benign based on ACMG/AMP sequence variant interpretation guidelines (Richards et al. 2015 PMID: 25741868, with internal and published modifications).

Blueprint Genetics
Classification: Likely benign. Last evaluated: 2024-11-27. Review status: criteria provided, single submitter. Criteria: ACMG Guidelines, 2015. Collection method: clinical testing. Allele origin: germline.